The following is an entry in ClinVar:

NM_001081.4(CUBN):c.8129A>G (p.Asp2710Gly)

Gene: CUBN (cubilin; minus strand). Cytogenetic location: 10p13.
Variant type: single nucleotide variant.
Coding change: c.8129A>G on transcript NM_001081.4 (MANE Select); coding-DNA position 8129, A replaced by G.
Protein change: p.Asp2710Gly; replaces aspartic acid 2710 with glycine.
Molecular consequence: missense variant.
Genome position (GRCh38, 1-based): chr10:16,901,393, T>C on the plus strand (A>G on the coding strand, the complement: CUBN is on the minus strand). VCF-style: chr10-16901393-T-C. GRCh37 (hg19) VCF-style: chr10-16943392-T-C.
Other names: short protein forms D2710G.
Identifiers: ClinVar variation 2051154 (VCV002051154.4), dbSNP rs752626530, ClinGen allele CA5423113.

ClinVar aggregate classification (germline): Uncertain significance (1 of 4 stars; one submission).

Conditions:
Imerslund-Grasbeck syndrome. Also called: ENTEROCYTE COBALAMIN MALABSORPTION; ENTEROCYTE INTRINSIC FACTOR RECEPTOR, DEFECT OF; PERNICIOUS ANEMIA, JUVENILE, DUE TO SELECTIVE INTESTINAL MALABSORPTION OF VITAMIN B12, WITH PROTEINURIA; Imerslund-Gräsbeck syndrome; Megaloblastic anemia due to inborn errors of metabolism. Identifiers: Orphanet 35858, MedGen C4551825, MONDO:0009853.

Allele frequency attached by ClinVar (database versions not stated): gnomAD exomes below 0.00001; ExAC 0.00001; TOPMed 0.00001; gnomAD 0.00001.
gnomAD v4.1: 5 of 1,614,038 alleles (0.00031%); highest among the groups gnomAD compares: Admixed American, 0.0067%; no homozygotes.

Submission:

Labcorp Genetics (formerly Invitae), Labcorp
Classification: Uncertain significance for Imerslund-Grasbeck syndrome. Last evaluated: 2021-12-08. Review status: criteria provided, single submitter. Criteria: Invitae Variant Classification Sherloc (09022015). Collection method: clinical testing. Allele origin: germline.
Comment: This sequence change replaces aspartic acid, which is acidic and polar, with glycine, which is neutral and non-polar, at codon 2710 of the CUBN protein (p.Asp2710Gly). This variant is present in population databases (rs752626530, gnomAD 0.003%). This variant has not been reported in the literature in individuals affected with CUBN-related conditions. Algorithms developed to predict the effect of missense changes on protein structure and function output the following: SIFT: "Tolerated"; PolyPhen-2: "Benign"; Align-GVGD: "Class C0". The glycine amino acid residue is found in multiple mammalian species, which suggests that this missense change does not adversely affect protein function. In summary, the available evidence is currently insufficient to determine the role of this variant in disease. Therefore, it has been classified as a Variant of Uncertain Significance.